The following is an entry in ClinVar:

ClinVar aggregate classification (germline): Uncertain significance. Review status: criteria provided, single submitter (1 of 4 stars). 2 submissions from 2 submitters: Uncertain significance (1). 1 of the submissions does not count toward it. Last evaluated 2021-08-20.

Conditions:
Muscle eye brain disease (MEB). Also called: Santavuori congenital muscular dystrophy. Identifiers: Orphanet 588, Orphanet 899, MedGen C0457133, MONDO:0018939.
Autosomal recessive limb-girdle muscular dystrophy type 2O. Also called: Limb-Girdle Muscular Dystrophy Type 3C; MUSCULAR DYSTROPHY-DYSTROGLYCANOPATHY (LIMB-GIRDLE), TYPE C, 3; MUSCULAR DYSTROPHY-DYSTROGLYCANOPATHY, LIMB-GIRDLE, POMGNT1-RELATED. Identifiers: Orphanet 206564, MedGen C3150417, MONDO:0013161, OMIM 613157.
Muscular dystrophy-dystroglycanopathy (congenital with impaired intellectual development), type B, 3. Also called: MUSCULAR DYSTROPHY, CONGENITAL, POMGNT1-RELATED; Muscular dystrophy-dystroglycanopathy (congenital with intellectual disability), type B3. Identifiers: MedGen C3150412, MONDO:0013155, OMIM 613151.

Allele frequency attached by ClinVar (database versions not stated): gnomAD exomes below 0.00001; TOPMed below 0.00001.
gnomAD v4.1: 2 of 1,614,144 alleles (0.00012%); highest among the groups gnomAD compares: Non-Finnish European, 0.00017%; no homozygotes.

Submissions (2):

Labcorp Genetics (formerly Invitae), Labcorp
Classification: Uncertain significance for Autosomal recessive limb-girdle muscular dystrophy type 2O; Muscular dystrophy-dystroglycanopathy (congenital with impaired intellectual development), type B, 3. Last evaluated: 2021-08-20. Review status: criteria provided, single submitter. Criteria: Invitae Variant Classification Sherloc (09022015). Collection method: clinical testing. Allele origin: germline.
Comment: This sequence change falls in intron 5 of the POMGNT1 gene. It does not directly change the encoded amino acid sequence of the POMGNT1 protein. It affects a nucleotide within the consensus splice site of the intron. This variant is not present in population databases (ExAC no frequency). This variant has not been reported in the literature in individuals affected with POMGNT1-related conditions. Variants that disrupt the consensus splice site are a relatively common cause of aberrant splicing (PMID: 17576681, 9536098). Algorithms developed to predict the effect of sequence changes on RNA splicing suggest that this variant is not likely to affect RNA splicing. In summary, the available evidence is currently insufficient to determine the role of this variant in disease. Therefore, it has been classified as a Variant of Uncertain Significance.

Natera, Inc.
Classification: Uncertain significance for Muscle-eye-brain disease. Last evaluated: 2020-08-07. Review status: no assertion criteria provided. Collection method: clinical testing. Allele origin: germline. Not counted in ClinVar's aggregate classification.

Literature cited by the submitters: PubMed 17576681 (cited by Labcorp Genetics (formerly Invitae), Labcorp); PubMed 9536098 (cited by Labcorp Genetics (formerly Invitae), Labcorp).

NM_017739.4(POMGNT1):c.421-3C>T

Genes: POMGNT1 (protein O-linked mannose N-acetylglucosaminyltransferase 1 (beta 1,2-); minus strand), TSPAN1 (tetraspanin 1; plus strand). Cytogenetic location: 1p34.1.
Variant type: single nucleotide variant.
Coding change: c.421-3C>T on transcript NM_017739.4 (MANE Select); 3 bases into the intron before coding-DNA position 421, C replaced by T.
Molecular consequence: intron variant.
Genome position (GRCh38, 1-based): chr1:46,195,927, G>A on the plus strand (C>T on the coding strand, the complement: POMGNT1 is on the minus strand). VCF-style: chr1-46195927-G-A. GRCh37 (hg19) VCF-style: chr1-46661599-G-A.
Other names: c.421-3C>T (NM_001243766.2, NM_001438686.1, NM_001438688.1 and 3 more transcripts); c.355-3C>T (NM_001290129.3, NM_001438691.1, NM_001438692.1); c.-9-3C>T (NM_001290130.2).
Identifiers: ClinVar variation 1051361 (VCV001051361.3), dbSNP rs1658202678, ClinGen allele CA2474083521.